The following is an entry in ClinVar:

NM_005560.6(LAMA5):c.3631G>A (p.Gly1211Ser)

Gene: LAMA5 (laminin subunit alpha 5; minus strand). Cytogenetic location: 20q13.33.
Variant type: single nucleotide variant.
Coding change: c.3631G>A on transcript NM_005560.6 (MANE Select); coding-DNA position 3631, G replaced by A.
Protein change: p.Gly1211Ser; replaces glycine 1211 with serine.
Molecular consequence: missense variant.
Genome position (GRCh38, 1-based): chr20:62,331,051, C>T on the plus strand (G>A on the coding strand, the complement: LAMA5 is on the minus strand). VCF-style: chr20-62331051-C-T. GRCh37 (hg19) VCF-style: chr20-60906107-C-T.
Other names: short protein forms G1211S.
Identifiers: ClinVar variation 2404922 (VCV002404922.3), dbSNP rs761784577, ClinGen allele CA9942916.

ClinVar aggregate classification (germline): Uncertain significance. Review status: criteria provided, multiple submitters, no conflicts (2 of 4 stars). 2 submissions from 2 submitters: Uncertain significance (2). Last evaluated 2025-10-15.

Conditions:
Inborn genetic diseases. Identifiers: MedGen C0950123, MeSH D030342.

Allele frequency attached by ClinVar (database versions not stated): gnomAD 0.00002; TOPMed 0.00002; ExAC 0.00004; gnomAD exomes 0.00004.
gnomAD v4.1: 64 of 1,601,778 alleles (0.004%); highest among the groups gnomAD compares: East Asian, 0.022%; no homozygotes.

Submissions (2):

Labcorp Genetics (formerly Invitae), Labcorp
Classification: Uncertain significance. Last evaluated: 2025-10-15. Review status: criteria provided, single submitter. Criteria: Invitae Variant Classification Sherloc (09022015). Collection method: clinical testing. Allele origin: germline.
Comment: This sequence change replaces glycine, which is neutral and non-polar, with serine, which is neutral and polar, at codon 1211 of the LAMA5 protein (p.Gly1211Ser). This variant is present in population databases (rs761784577, gnomAD 0.007%). This variant has not been reported in the literature in individuals affected with LAMA5-related conditions. ClinVar contains an entry for this variant (Variation ID: 2404922). An algorithm developed to predict the effect of missense changes on protein structure and function (PolyPhen-2) suggests that this variant is likely to be disruptive. In summary, the available evidence is currently insufficient to determine the role of this variant in disease. Therefore, it has been classified as a Variant of Uncertain Significance.

Ambry Genetics
Classification: Uncertain significance for Inborn genetic diseases. Last evaluated: 2021-10-26. Review status: criteria provided, single submitter. Criteria: Ambry Variant Classification Scheme 2023. Collection method: clinical testing. Allele origin: germline.